The following is an entry in ClinVar:

NM_005562.3(LAMC2):c.2688G>A (p.Gln896=)

Gene: LAMC2 (laminin subunit gamma 2; plus strand). Cytogenetic location: 1q25.3.
Variant type: single nucleotide variant.
Coding change: c.2688G>A on transcript NM_005562.3 (MANE Select); coding-DNA position 2688, G replaced by A.
Protein change: p.Gln896=; no amino-acid change (glutamine 896 retained).
Molecular consequence: synonymous variant.
Genome position (GRCh38, 1-based): chr1:183,237,438, G>A. VCF-style: chr1-183237438-G-A. GRCh37 (hg19) VCF-style: chr1-183206573-G-A.
Other names: c.2688G>A, p.Gln896= (NM_018891.3).
Identifiers: ClinVar variation 259786 (VCV000259786.20), dbSNP rs1047981, ClinGen allele CA1283020.

ClinVar aggregate classification (germline): Benign. Review status: criteria provided, multiple submitters, no conflicts (2 of 4 stars). 8 submissions from 7 submitters: Benign (8). Last evaluated 2026-02-04.

Conditions:
Junctional epidermolysis bullosa. Identifiers: Orphanet 305, MedGen C0079301, MONDO:0017612.
Junctional epidermolysis bullosa gravis of Herlitz. Also called: EPIDERMOLYSIS BULLOSA JUNCTIONALIS, HERLITZ TYPE; EPIDERMOLYSIS BULLOSA, JUNCTIONAL, HERLITZ-PEARSON TYPE; Epidermolysis Bullosa Letalis; JEB-HERLITZ TYPE; EPIDERMOLYSIS BULLOSA, JUNCTIONAL 1B, SEVERE; Herlitz-type junctional epidermolysis bullosa. Identifiers: Orphanet 79404, MedGen C0079683, MONDO:0009182, OMIM 226700.
Junctional epidermolysis bullosa, non-Herlitz type. Also called: EPIDERMOLYSIS BULLOSA JUNCTIONALIS, DISENTIS TYPE; EPIDERMOLYSIS BULLOSA JUNCTIONALIS, NON-HERLITZ TYPE; EPIDERMOLYSIS BULLOSA JUNCTIONALIS, PROGRESSIVE; EPIDERMOLYSIS BULLOSA JUNCTIONALIS, SEVERE NONLETHAL; COL17A1-Related Junctional Epidermolysis Bullosa; Adult junctional epidermolysis bullosa. Identifiers: Orphanet 251393, Orphanet 79402, Orphanet 79405, Orphanet 89840, MedGen C0268374, MONDO:0009180, OMIM 226650.

Allele frequency attached by ClinVar (database versions not stated): gnomAD exomes 0.21247 and 0.25759; ExAC 0.25786; ESP Exome Variant Server 0.28641; gnomAD 0.29453 and 0.29455; TOPMed 0.31095; 1000 Genomes Project 0.35244; 1000 Genomes Project 30x 0.36009.
gnomAD v4.1: 356,084 of 1,613,376 alleles (22%); highest among the groups gnomAD compares: African/African-American, 51%; 46,122 homozygotes.

Submissions (8):

Labcorp Genetics (formerly Invitae), Labcorp
Classification: Benign. Last evaluated: 2026-02-04. Review status: criteria provided, single submitter. Criteria: Invitae Variant Classification Sherloc (09022015). Collection method: clinical testing. Allele origin: germline.

Blueprint Genetics
Classification: Benign. Last evaluated: 2024-11-26. Review status: criteria provided, single submitter. Criteria: ACMG Guidelines, 2015. Collection method: clinical testing. Allele origin: germline.

GeneDx
Classification: Benign. Last evaluated: 2021-10-27. Review status: criteria provided, single submitter. Criteria: GeneDx Variant Classification Process June 2021. Collection method: clinical testing. Allele origin: germline. Affected: yes.
Comment: This variant is associated with the following publications: (PMID: 15370542, 11279058)

Genome-Nilou Lab
Classification: Benign for Junctional epidermolysis bullosa gravis of Herlitz. Last evaluated: 2021-07-08. Review status: criteria provided, single submitter. Criteria: ACMG Guidelines, 2015. Collection method: clinical testing. Allele origin: germline. Affected: no.

Genome-Nilou Lab
Classification: Benign for Junctional epidermolysis bullosa, non-Herlitz type. Last evaluated: 2021-07-08. Review status: criteria provided, single submitter. Criteria: ACMG Guidelines, 2015. Collection method: clinical testing. Allele origin: germline. Affected: no.

Illumina Laboratory Services, Illumina
Classification: Benign for Junctional epidermolysis bullosa. Last evaluated: 2018-01-13. Review status: criteria provided, single submitter. Criteria: ICSL Variant Classification Criteria 13 December 2019. Collection method: clinical testing. Allele origin: germline.
Comment: This variant was observed in the ICSL laboratory as part of a predisposition screen in an ostensibly healthy population. It had not been previously curated by ICSL or reported in the Human Gene Mutation Database (HGMD: prior to June 1st, 2018), and was therefore a candidate for classification through an automated scoring system. Utilizing variant allele frequency, disease prevalence and penetrance estimates, and inheritance mode, an automated score was calculated to assess if this variant is too frequent to cause the disease. Based on the score and internal cut-off values, a variant classified as benign is not then subjected to further curation. The score for this variant resulted in a classification of benign for this disease.

Breakthrough Genomics
Classification: Benign. Review status: criteria provided, single submitter. Criteria: ACMG Guidelines, 2015. Collection method: not provided. Allele origin: germline. Inheritance: Autosomal recessive inheritance. Affected: yes.

PreventionGenetics, part of Exact Sciences
Classification: Benign. Review status: criteria provided, single submitter. Criteria: ACMG Guidelines, 2015. Collection method: clinical testing. Allele origin: germline.